The following is an entry in ClinVar:

ClinVar aggregate classification (germline): Pathogenic. Review status: criteria provided, multiple submitters, no conflicts (2 of 4 stars). 2 submissions from 2 submitters: Pathogenic (2). Last evaluated 2026-01-05.

Conditions:
Thyroid dyshormonogenesis 6 (TDH6). Also called: THYROID HORMONOGENESIS, GENETIC DEFECT IN, 6; HYPOTHYROIDISM, CONGENITAL, DUE TO DYSHORMONOGENESIS, 6; Genetic transient congenital hypothyroidism. Identifiers: Orphanet 226316, Orphanet 95716, MedGen C1846632, MONDO:0011792, OMIM 607200.

Allele frequency attached by ClinVar (database versions not stated): gnomAD 0.00001; ExAC 0.00002; gnomAD exomes 0.00002; TOPMed 0.00002.
gnomAD v4.1: 35 of 1,580,986 alleles (0.0022%); highest among the groups gnomAD compares: Non-Finnish European, 0.0029%; no homozygotes.

Submissions (2):

Labcorp Genetics (formerly Invitae), Labcorp
Classification: Pathogenic. Last evaluated: 2026-01-05. Review status: criteria provided, single submitter. Criteria: Invitae Variant Classification Sherloc (09022015). Collection method: clinical testing. Allele origin: germline.
Comment: This sequence change creates a premature translational stop signal (p.Gln581*) in the DUOX2 gene. It is expected to result in an absent or disrupted protein product. Loss-of-function variants in DUOX2 are known to be pathogenic (PMID: 12110737, 18765513, 21565790, 24423310, 24735383). This variant is present in population databases (rs778921174, gnomAD 0.002%). This variant has not been reported in the literature in individuals affected with DUOX2-related conditions. ClinVar contains an entry for this variant (Variation ID: 1454809). Algorithms developed to predict the effect of sequence changes on RNA splicing suggest that this variant may disrupt the consensus splice site. For these reasons, this variant has been classified as Pathogenic.

Fulgent Genetics
Classification: Pathogenic for Thyroid dyshormonogenesis 6. Last evaluated: 2024-06-04. Review status: criteria provided, single submitter. Criteria: ACMG Guidelines, 2015. Collection method: clinical testing. Allele origin: germline.

Literature cited by the submitters: PubMed 12110737 (cited by Labcorp Genetics (formerly Invitae), Labcorp); PubMed 18765513 (cited by Labcorp Genetics (formerly Invitae), Labcorp); PubMed 21565790 (cited by Labcorp Genetics (formerly Invitae), Labcorp); PubMed 24423310 (cited by Labcorp Genetics (formerly Invitae), Labcorp); PubMed 24735383 (cited by Labcorp Genetics (formerly Invitae), Labcorp).

NM_001363711.2(DUOX2):c.1741C>T (p.Gln581Ter)

Gene: DUOX2 (dual oxidase 2; minus strand). Cytogenetic location: 15q21.1.
Variant type: single nucleotide variant.
Coding change: c.1741C>T on transcript NM_001363711.2 (MANE Select); coding-DNA position 1741, C replaced by T.
Protein change: p.Gln581Ter; replaces glutamine 581 with a stop codon.
Molecular consequence: nonsense.
Genome position (GRCh38, 1-based): chr15:45,106,922, G>A on the plus strand (C>T on the coding strand, the complement: DUOX2 is on the minus strand). VCF-style: chr15-45106922-G-A. GRCh37 (hg19) VCF-style: chr15-45399120-G-A.
Other names: c.1741C>T (NM_014080.4); c.1741C>T, p.Gln581Ter (NM_014080.5); short protein forms Q581*.
Identifiers: ClinVar variation 1454809 (VCV001454809.7), dbSNP rs778921174, ClinGen allele CA7538506.